The following is an entry in ClinVar:

NM_001371623.1(TCOF1):c.4027dup (p.Trp1343fs)

Gene: TCOF1 (treacle ribosome biogenesis factor 1; plus strand). Cytogenetic location: 5q32.
Variant type: Duplication.
Coding change: c.4027dup on transcript NM_001371623.1 (MANE Select); coding-DNA position 4027, one base duplicated (T; older notation c.4027dupT).
Protein change: p.Trp1343fs; shifts the reading frame from tryptophan 1343.
Molecular consequence: frameshift variant.
Genome position (GRCh38, 1-based): chr5:150,396,524, T duplicated. VCF-style (leftmost placement, unchanged base first): chr5-150396523-C-CT. GRCh37 (hg19) VCF-style: chr5-149776086-C-CT.
Other names: c.4024dup, p.Trp1342fs (NM_001135243.2); c.3913dup, p.Trp1305fs (NM_001135244.2); c.3796dup, p.Trp1266fs (NM_001135245.2); c.3910dup, p.Trp1304fs (NM_001195141.2); c.3793dup, p.Trp1265fs (NM_000356.4); short protein forms W1265fs, W1266fs, W1304fs, W1305fs, W1342fs, W1343fs.
Identifiers: ClinVar variation 1526079 (VCV001526079.1), dbSNP rs2151101668, ClinGen allele CA2573139300.
Genomic context (GRCh38, chr5:150,396,523, plus strand): 5'-GCTGCTGGAACAGGAAAGAAAGAAGGTGGTGGACACCACCAAGGAGAGCAGCAGGAAGGG[C>CT]TGGGAGAGCCGCAAGCGGAAGCTATCGGGAGACCAGCCAGCTGCCAGGACCCCCAGGAGC-3'

ClinVar aggregate classification (germline): Likely pathogenic (1 of 4 stars; one submission).

Conditions:
Treacher Collins syndrome 1 (TCS1). Also called: TCOF1-Related Treacher Collins Syndrome. Identifiers: Orphanet 861, MedGen CN315775, MONDO:0007944, OMIM 154500.

Submission:

3billion
Classification: Likely pathogenic for Treacher Collins syndrome 1. Last evaluated: 2022-03-22. Review status: criteria provided, single submitter. Criteria: ACMG Guidelines, 2015. Collection method: clinical testing. Allele origin: germline. Affected: yes. Observed: 1 heterozygote.
Comment: Frameshift: predicted to result in a loss or disruption of normal protein function through nonsense-mediated decay (NMD) or protein truncation. Multiple pathogenic variants are reported downstream of the variant.It is not observed in the gnomAD v2.1.1 dataset. Therefore, this variant is classified as likely pathogenic according to the recommendation of ACMG/AMP guideline.